The following is an entry in ClinVar:

NM_030665.4(RAI1):c.1500G>A (p.Pro500=)

Gene: RAI1 (retinoic acid induced 1; plus strand). Cytogenetic location: 17p11.2.
Variant type: single nucleotide variant.
Coding change: c.1500G>A on transcript NM_030665.4 (MANE Select); coding-DNA position 1500, G replaced by A.
Protein change: p.Pro500=; no amino-acid change (proline 500 retained).
Molecular consequence: synonymous variant.
Genome position (GRCh38, 1-based): chr17:17,794,448, G>A. VCF-style: chr17-17794448-G-A. GRCh37 (hg19) VCF-style: chr17-17697762-G-A.
Identifiers: ClinVar variation 261934 (VCV000261934.17), dbSNP rs115536854, ClinGen allele CA8418343.
Genomic context (GRCh38, chr17:17,794,448, plus strand): 5'-CTGCAGCCCCGAAGGGAGCGGCTACTCAGCCGAGCCCGCAGGCACACCGCTGTCAGAGCC[G>A]CCGAGCAGCACGCCACAGTCCACGCATGCGGAGCCGCAGGAGGCCGACTACCTGAGCGGC-3'
Protein context (NP_109590.3, residues 490-510): AEPAGTPLSE[Pro500=]PSSTPQSTHA

ClinVar aggregate classification (germline): Benign. Review status: criteria provided, multiple submitters, no conflicts (2 of 4 stars). 6 submissions from 6 submitters: Benign (6). Last evaluated 2026-01-28.

Conditions:
Inborn genetic diseases. Identifiers: MedGen C0950123, MeSH D030342.

Allele frequency attached by ClinVar (database versions not stated): gnomAD exomes 0.00148; ExAC 0.00192; 1000 Genomes Project 0.00479; 1000 Genomes Project 30x 0.00500; ESP Exome Variant Server 0.00577; TOPMed 0.00601.
gnomAD v4.1: 1,584 of 1,612,658 alleles (0.098%); highest among the groups gnomAD compares: African/African-American, 1.7%; 19 homozygotes.

Submissions (6):

Labcorp Genetics (formerly Invitae), Labcorp
Classification: Benign. Last evaluated: 2026-01-28. Review status: criteria provided, single submitter. Criteria: Invitae Variant Classification Sherloc (09022015). Collection method: clinical testing. Allele origin: germline.

Athena Diagnostics
Classification: Benign. Last evaluated: 2024-12-30. Review status: criteria provided, single submitter. Criteria: Athena Diagnostics Criteria. Collection method: clinical testing. Allele origin: unknown.
Comment: The frequency of this variant in the general population is higher than would generally be expected for pathogenic variants in this gene. Computational tools yielded predictions that this variant is unlikely to have an effect on normal RNA splicing. This nucleotide position exhibits low evolutionary conservation.

GeneDx
Classification: Benign. Last evaluated: 2018-10-30. Review status: criteria provided, single submitter. Criteria: GeneDx Variant Classification Process June 2021. Collection method: clinical testing. Allele origin: germline. Affected: yes.
Comment: This variant is associated with the following publications: (PMID: 21857958)

Ambry Genetics
Classification: Benign for Inborn genetic diseases. Last evaluated: 2016-12-12. Review status: criteria provided, single submitter. Criteria: Ambry Variant Classification Scheme 2023. Collection method: clinical testing. Allele origin: germline.

Breakthrough Genomics
Classification: Benign. Review status: criteria provided, single submitter. Criteria: ACMG Guidelines, 2015. Collection method: not provided. Allele origin: germline. Inheritance: Autosomal dominant inheritance. Affected: yes.

PreventionGenetics, part of Exact Sciences
Classification: Benign. Review status: criteria provided, single submitter. Criteria: ACMG Guidelines, 2015. Collection method: clinical testing. Allele origin: germline.

Literature cited by the submitters: PubMed 21857958 (cited by Athena Diagnostics).